The following is an entry in ClinVar:

ClinVar aggregate classification (germline): Uncertain significance (1 of 4 stars; one submission).

Conditions:
SEMA6A-Related Disorder.

Submission:

Daryl Scott Lab, Baylor College of Medicine
Classification: Uncertain significance for SEMA6A-Related Disorder. Review status: criteria provided, single submitter. Criteria: ACMG Guidelines, 2015. Collection method: clinical testing. Allele origin: paternal. Affected: yes. Observed: 1 heterozygote.
Comment: PVS1, PM2

NM_020796.5(SEMA6A):c.2098_2101dup (p.Ser701fs)

Genes: SEMA6A (semaphorin 6A; minus strand), SEMA6A-AS1 (SEMA6A antisense RNA 1; plus strand). Cytogenetic location: 5q23.1.
Variant type: Duplication.
Coding change: c.2098_2101dup on transcript NM_020796.5 (MANE Select); coding-DNA positions 2098 to 2101, 4 bases duplicated (AGCA; older notation c.2098_2101dupAGCA).
Protein change: p.Ser701fs; shifts the reading frame from serine 701.
Molecular consequence: frameshift variant. On other transcripts: non-coding transcript variant (1).
Genome position (GRCh38, 1-based): chr5:116,447,605-116,447,608, TGCT duplicated on the plus strand (AGCA on the coding strand, the reverse complement: SEMA6A is on the minus strand). VCF-style (leftmost placement, unchanged base first): chr5-116447604-C-CTGCT. GRCh37 (hg19) VCF-style: chr5-115783300-C-CTGCT.
Other names: c.2149_2152dup, p.Ser718fs (NM_001300780.2); short protein forms S701fs, S718fs.
Identifiers: ClinVar variation 4851622 (VCV004851622.1).